The following is an entry in ClinVar:

ClinVar aggregate classification (germline): Likely pathogenic (1 of 4 stars; one submission).

Conditions:
Hereditary cancer-predisposing syndrome. Also called: Neoplastic Syndromes, Hereditary; Tumor predisposition; Hereditary Cancer Syndrome; Hereditary neoplastic syndrome. Identifiers: Orphanet 140162, MedGen C0027672, MeSH D009386, MONDO:0015356.

Submission:

Ambry Genetics
Classification: Likely pathogenic for Hereditary cancer-predisposing syndrome. Last evaluated: 2026-04-09. Review status: criteria provided, single submitter. Criteria: Ambry Variant Classification Scheme 2023. Collection method: clinical testing. Allele origin: germline.
Comment: The c.868+2_868+4delTGG intronic variant, located in intron 7 of the BMPR1A gene, results from a deletion of three nucleotides two to four nucleotides after coding exon 7 of the BMPR1A gene. This variant is considered to be rare based on population cohorts in the Genome Aggregation Database (gnomAD). This variant affects a highly conserved nucleotide position in available vertebrate species. In silico splice site analysis predicts that this alteration will weaken the native splice donor site and will result in the creation or strengthening of a novel splice donor site; however, direct evidence is insufficient at this time (Ambry internal data). Variants that disrupt the canonical splice site are expected to cause aberrant splicing, resulting in an abnormal protein or a transcript that is subject to nonsense-mediated mRNA decay. As such, this variant is classified as likely pathogenic.

NM_004329.3(BMPR1A):c.868+2_868+4del

Gene: BMPR1A (bone morphogenetic protein receptor type 1A; plus strand). Cytogenetic location: 10q23.2.
Variant type: Microsatellite.
Coding change: c.868+2_868+4del on transcript NM_004329.3 (MANE Select); the canonical splice donor site of the intron after coding-DNA position 868 through 4 bases into the intron after coding-DNA position 868, 3 bases deleted (TGG; older notation c.868+2_868+4delTGG).
Molecular consequence: splice donor variant.
Genome position (GRCh38, 1-based): chr10:86,917,328-86,917,330, TGG deleted; deleting any 3 consecutive bases within chr10:86,917,325-86,917,330 gives the same sequence; the c. name uses the placement nearest the transcript's 3' end. VCF-style (leftmost placement, unchanged base first): chr10-86917324-TTGG-T. GRCh37 (hg19) VCF-style: chr10-88677081-TTGG-T.
Other names: c.868+2_868+4del (NM_001406563.1, NM_001406581.1, NM_001406561.1 and 19 more transcripts); c.784+2_784+4del (NM_001406584.1, NM_001406588.1, NM_001406587.1 and 2 more transcripts); c.916+2_916+4del (NM_001406560.1); c.943+2_943+4del (NM_001406559.1); c.862+2_862+4del (NM_001406583.1); c.526+2_526+4del (NM_001406589.1).
Identifiers: ClinVar variation 4867553 (VCV004867553.1).